The following is an entry in ClinVar:

ClinVar aggregate classification (germline): Uncertain significance (1 of 4 stars; one submission).

Conditions:
Peroxisome biogenesis disorder 12A (Zellweger). Also called: Peroxisome biogenesis disorder 12A. Identifiers: Orphanet 912, MedGen C3554002, MONDO:0013951, OMIM 614886.

Submission:

Labcorp Genetics (formerly Invitae), Labcorp
Classification: Uncertain significance for Peroxisome biogenesis disorder 12A (Zellweger). Last evaluated: 2022-04-23. Review status: criteria provided, single submitter. Criteria: Invitae Variant Classification Sherloc (09022015). Collection method: clinical testing. Allele origin: germline.
Comment: Algorithms developed to predict the effect of missense changes on protein structure and function are either unavailable or do not agree on the potential impact of this missense change (SIFT: "Deleterious"; PolyPhen-2: "Probably Damaging"; Align-GVGD: "Class C0"). This variant has not been reported in the literature in individuals affected with PEX19-related conditions. This variant is not present in population databases (gnomAD no frequency). In summary, the available evidence is currently insufficient to determine the role of this variant in disease. Therefore, it has been classified as a Variant of Uncertain Significance. This sequence change replaces glycine, which is neutral and non-polar, with cysteine, which is neutral and slightly polar, at codon 287 of the PEX19 protein (p.Gly287Cys).

NM_002857.4(PEX19):c.859G>T (p.Gly287Cys)

Gene: PEX19 (peroxisomal biogenesis factor 19; minus strand). Cytogenetic location: 1q23.2.
Variant type: single nucleotide variant.
Coding change: c.859G>T on transcript NM_002857.4 (MANE Select); coding-DNA position 859, G replaced by T.
Protein change: p.Gly287Cys; replaces glycine 287 with cysteine.
Molecular consequence: missense variant. On other transcripts: non-coding transcript variant (2), intron variant (1).
Genome position (GRCh38, 1-based): chr1:160,279,592, C>A on the plus strand (G>T on the coding strand, the complement: PEX19 is on the minus strand). VCF-style: chr1-160279592-C-A. GRCh37 (hg19) VCF-style: chr1-160249382-C-A.
Other names: c.817-10G>T (NM_001193644.1); short protein forms G287C.
Identifiers: ClinVar variation 2129756 (VCV002129756.4), dbSNP rs2525302502, ClinGen allele CA343255436.